The following is an entry in ClinVar:

ClinVar aggregate classification (germline): Uncertain significance (1 of 4 stars; one submission).

Conditions:
TMEM260-related disorder. Also called: TMEM260-related condition.

Submission:

PreventionGenetics, part of Exact Sciences
Classification: Uncertain significance for TMEM260-related condition. Last evaluated: 2022-09-07. Review status: criteria provided, single submitter. Criteria: ACMG Guidelines, 2015. Collection method: clinical testing. Allele origin: germline.
Comment: The TMEM260 c.1724G>T variant is predicted to result in the amino acid substitution p.Arg575Met. This variant is the last nucleotide of the exon and is predicted to significantly weaken the canonical splice donor site (Alamut Visual v2.11). To our knowledge, this variant has not been reported in the literature or in a large population database, indicating this variant is rare. At this time, the clinical significance of this variant is uncertain due to the absence of conclusive functional and genetic evidence.

NM_017799.4(TMEM260):c.1724G>T (p.Arg575Met)

Gene: TMEM260 (transmembrane protein 260; plus strand). Cytogenetic location: 14q22.3.
Variant type: single nucleotide variant.
Coding change: c.1724G>T on transcript NM_017799.4 (MANE Select); coding-DNA position 1724, G replaced by T.
Protein change: p.Arg575Met; replaces arginine 575 with methionine.
Molecular consequence: missense variant.
Genome position (GRCh38, 1-based): chr14:56,633,171, G>T. VCF-style: chr14-56633171-G-T. GRCh37 (hg19) VCF-style: chr14-57099889-G-T.
Other names: short protein forms R575M.
Identifiers: ClinVar variation 2636493 (VCV002636493.1), dbSNP rs1204101578, ClinGen allele CA389835243.